The following is an entry in ClinVar:

ClinVar aggregate classification (germline): Benign/Likely benign. Review status: criteria provided, multiple submitters, no conflicts (2 of 4 stars). 3 submissions from 3 submitters: Benign (1); Likely benign (2). Last evaluated 2026-06-23.

Conditions:
Retinoblastoma (RB1). Also called: RETINOBLASTOMA, SOMATIC. Identifiers: Orphanet 790, MedGen C0035335, MeSH D012175, MONDO:0008380, OMIM 180200, HP:0009919. Disease mechanism: loss of function. Inheritance: Both sporadic and heritable forms are tested..
Hereditary cancer-predisposing syndrome. Also called: Neoplastic Syndromes, Hereditary; Tumor predisposition; Hereditary neoplastic syndrome; Hereditary Cancer Syndrome. Identifiers: Orphanet 140162, MedGen C0027672, MeSH D009386, MONDO:0015356.

Submissions (3):

Myriad Genetics, Inc.
Classification: Benign for Retinoblastoma. Last evaluated: 2026-06-23. Review status: criteria provided, single submitter. Criteria: Myriad Autosomal Dominant, Autosomal Recessive and X-Linked Classification Criteria (2023). Collection method: clinical testing. Allele origin: unknown.
Comment: This variant is considered benign. This variant is a silent/synonymous amino acid change and it is not expected to impact splicing.

Labcorp Genetics (formerly Invitae), Labcorp
Classification: Likely benign for Retinoblastoma. Last evaluated: 2023-11-14. Review status: criteria provided, single submitter. Criteria: Invitae Variant Classification Sherloc (09022015). Collection method: clinical testing. Allele origin: germline.

Ambry Genetics
Classification: Likely benign for Hereditary cancer-predisposing syndrome. Last evaluated: 2021-03-07. Review status: criteria provided, single submitter. Criteria: Ambry Variant Classification Scheme 2023. Collection method: clinical testing. Allele origin: germline.

NM_000321.3(RB1):c.78G>T (p.Pro26=)

Gene: RB1 (RB transcriptional corepressor 1; plus strand). Cytogenetic location: 13q14.2.
Variant type: single nucleotide variant.
Coding change: c.78G>T on transcript NM_000321.3 (MANE Select); coding-DNA position 78, G replaced by T.
Protein change: p.Pro26=; no amino-acid change (proline 26 retained).
Molecular consequence: synonymous variant.
Genome position (GRCh38, 1-based): chr13:48,303,990, G>T. VCF-style: chr13-48303990-G-T. GRCh37 (hg19) VCF-style: chr13-48878126-G-T.
Other names: c.78G>T, p.Pro26= (NM_001407165.1, NM_001407166.1, NM_001407167.1).
Identifiers: ClinVar variation 1761134 (VCV001761134.6), dbSNP rs1389899415, ClinGen allele CA483711625.